The following is an entry in ClinVar:

NM_001127511.3(APC):c.113C>G (p.Thr38Arg)

Gene: APC (APC regulator of Wnt signaling pathway; plus strand). Cytogenetic location: 5q22.2.
Variant type: single nucleotide variant.
Coding change: c.113C>G on transcript NM_001127511.3; coding-DNA position 113, C replaced by G.
Protein change: p.Thr38Arg; replaces threonine 38 with arginine.
Molecular consequence: missense variant. On other transcripts: 5 prime UTR variant (8), non-coding transcript variant (1), intron variant (5).
Genome position (GRCh38, 1-based): chr5:112,707,830, C>G. VCF-style: chr5-112707830-C-G. GRCh37 (hg19) VCF-style: chr5-112043527-C-G.
Other names: c.-71C>G (NM_001354895.2, NM_001407447.1, NM_001407452.1 and 3 more transcripts); c.113C>G, p.Thr38Arg (NM_001354897.2, NM_001354902.2, NM_001407446.1); c.-1106C>G (NM_001407470.1, NM_001407472.1); c.-19+181C>G (NM_001407448.1, NM_001407450.1, NM_001407457.1 and 1 more transcripts); c.-43+181C>G (NM_001407453.1); short protein forms T38R.
Identifiers: ClinVar variation 2156838 (VCV002156838.3), dbSNP rs1484678720, ClinGen allele CA360612014.

ClinVar aggregate classification (germline): Uncertain significance (1 of 4 stars; one submission).

Conditions:
Familial adenomatous polyposis 1 (FAP1). Also called: FAMILIAL ADENOMATOUS POLYPOSIS 1, ATTENUATED; POLYPOSIS, ADENOMATOUS INTESTINAL. Identifiers: MedGen C2713442, MONDO:0021056, OMIM 175100. Disease mechanism: loss of function.

gnomAD v4.1: 1 of 1,370,468 alleles (0.000073%); highest among the groups gnomAD compares: Non-Finnish European, 0.000096%; no homozygotes.

Submission:

Labcorp Genetics (formerly Invitae), Labcorp
Classification: Uncertain significance for Familial adenomatous polyposis 1. Last evaluated: 2025-10-13. Review status: criteria provided, single submitter. Criteria: Invitae Variant Classification Sherloc (09022015). Collection method: clinical testing. Allele origin: germline.
Comment: This variant occurs in a non-coding region of the APC gene. It does not change the encoded amino acid sequence of the APC protein. This variant is not present in population databases (gnomAD no frequency). This variant has not been reported in the literature in individuals affected with APC-related conditions. Experimental studies and prediction algorithms are not available or were not evaluated, and the functional significance of this variant is currently unknown. In summary, the available evidence is currently insufficient to determine the role of this variant in disease. Therefore, it has been classified as a Variant of Uncertain Significance.